The following is an entry in ClinVar:

NM_020549.5(CHAT):c.780A>T (p.Lys260Asn)

Gene: CHAT (choline O-acetyltransferase; plus strand). Cytogenetic location: 10q11.23.
Variant type: single nucleotide variant.
Coding change: c.780A>T on transcript NM_020549.5 (MANE Select); coding-DNA position 780, A replaced by T.
Protein change: p.Lys260Asn; replaces lysine 260 with asparagine.
Molecular consequence: missense variant.
Genome position (GRCh38, 1-based): chr10:49,625,500, A>T. VCF-style: chr10-49625500-A-T. GRCh37 (hg19) VCF-style: chr10-50833546-A-T.
Other names: c.426A>T, p.Lys142Asn (NM_001142929.2, NM_001142934.2, NM_020984.4 and 2 more transcripts); c.534A>T, p.Lys178Asn (NM_001142933.2); c.780A>T (NM_020549.4); short protein forms K142N, K178N, K260N.
Identifiers: ClinVar variation 1495084 (VCV001495084.7), dbSNP rs2132727991, ClinGen allele CA376729663.

ClinVar aggregate classification (germline): Uncertain significance. Review status: criteria provided, multiple submitters, no conflicts (2 of 4 stars). 2 submissions from 2 submitters: Uncertain significance (2). Last evaluated 2021-09-24.

Conditions:
Familial infantile myasthenia (CMS6). Also called: MYASTHENIC SYNDROME, PRESYNAPTIC, CONGENITAL, ASSOCIATED WITH EPISODIC APNEA; MYASTHENIC SYNDROME, CONGENITAL, 6, PRESYNAPTIC; Congenital myasthenic syndrome type 6. Identifiers: Orphanet 590, MedGen C0393929, MONDO:0009689, OMIM 254210.

Allele frequency attached by ClinVar (database versions not stated): gnomAD exomes 0.00001.
gnomAD v4.1: 11 of 1,612,804 alleles (0.00068%); highest among the groups gnomAD compares: Non-Finnish European, 0.00093%; no homozygotes.

Submissions (2):

Labcorp Genetics (formerly Invitae), Labcorp
Classification: Uncertain significance for Familial infantile myasthenia. Last evaluated: 2021-09-24. Review status: criteria provided, single submitter. Criteria: Invitae Variant Classification Sherloc (09022015). Collection method: clinical testing. Allele origin: germline.
Comment: This sequence change replaces lysine with asparagine at codon 260 of the CHAT protein (p.Lys260Asn). The lysine residue is weakly conserved and there is a moderate physicochemical difference between lysine and asparagine. This variant is not present in population databases (ExAC no frequency). This variant has not been reported in the literature in individuals with CHAT-related conditions. Advanced modeling of protein sequence and biophysical properties (such as structural, functional, and spatial information, amino acid conservation, physicochemical variation, residue mobility, and thermodynamic stability) performed at Invitae indicates that this missense variant is not expected to disrupt CHAT protein function. In summary, the available evidence is currently insufficient to determine the role of this variant in disease. Therefore, it has been classified as a Variant of Uncertain Significance.

Revvity Omics, Revvity
Classification: Uncertain significance for Familial infantile myasthenia. Last evaluated: 2020-02-11. Review status: criteria provided, single submitter. Criteria: ACMG Guidelines, 2015. Collection method: clinical testing. Allele origin: germline.